The following is an entry in ClinVar:

NM_001401501.2(MUC16):c.9452_9469del (p.Gln3151_Thr3156del)

Gene: MUC16 (mucin 16, cell surface associated; minus strand). Cytogenetic location: 19p13.2.
Variant type: Deletion.
Coding change: c.9452_9469del on transcript NM_001401501.2 (MANE Select); coding-DNA positions 9452 to 9469, 18 bases deleted (AGACGTTAACCTTCACAC).
Protein change: p.Gln3151_Thr3156del.
Genome position (GRCh38, 1-based): chr19:8,971,790-8,971,807, GTGTGAAGGTTAACGTCT deleted on the plus strand (AGACGTTAACCTTCACAC on the coding strand, the reverse complement: MUC16 is on the minus strand); deleting any 18 consecutive bases within chr19:8,971,790-8,971,811 gives the same sequence; the c. name uses the placement nearest the transcript's 3' end. VCF-style (leftmost placement, unchanged base first): chr19-8971789-GGTGTGAAGGTTAACGTCT-G. GRCh37 (hg19) VCF-style: chr19-9082465-GGTGTGAAGGTTAACGTCT-G.
Other names: c.9878_9895del, p.Gln3293_Thr3298del (NM_001414686.1); c.9332_9349del, p.Gln3111_Thr3116del (NM_001414687.1, NM_024690.2); c.9332_9349del18 (NM_024690.2).
Identifiers: ClinVar variation 3050806 (VCV003050806.2), dbSNP rs150039749, ClinGen allele CA9171757.

ClinVar aggregate classification (germline): Benign (0 of 4 stars; one submission).

Conditions:
MUC16-related disorder. Also called: MUC16-related condition.

Submission:

PreventionGenetics, part of Exact Sciences
Classification: Benign for MUC16-related condition. Last evaluated: 2019-10-01. Review status: no assertion criteria provided. Collection method: clinical testing. Allele origin: germline.
Comment: This variant is classified as benign based on ACMG/AMP sequence variant interpretation guidelines (Richards et al. 2015 PMID: 25741868, with internal and published modifications).